The following is an entry in ClinVar:

ClinVar aggregate classification (germline): Conflicting classifications of pathogenicity. Review status: criteria provided, conflicting classifications (1 of 4 stars). 9 submissions from 9 submitters: Uncertain significance (8); Likely benign (1). Last evaluated 2026-02-02.

Conditions:
Hereditary cancer-predisposing syndrome. Also called: Hereditary Cancer Syndrome; Tumor predisposition; Hereditary neoplastic syndrome; Neoplastic Syndromes, Hereditary. Identifiers: Orphanet 140162, MedGen C0027672, MeSH D009386, MONDO:0015356.
Colorectal cancer, susceptibility to, 12 (CRCS12). Also called: COLORECTAL CANCER, SUSCEPTIBILITY TO, ON CHROMOSOME 12q24. Identifiers: Orphanet 220460, MedGen C3554460, MONDO:0014038, OMIM 615083.

Allele frequency attached by ClinVar (database versions not stated): gnomAD exomes 0.00005 and 0.00008; ESP Exome Variant Server 0.00008; TOPMed 0.00008; gnomAD 0.00011; ExAC 0.00014.
gnomAD v4.1: 93 of 1,613,700 alleles (0.0058%); highest among the groups gnomAD compares: African/African-American, 0.016%; no homozygotes.

Submissions (9):

Labcorp Genetics (formerly Invitae), Labcorp
Classification: Uncertain significance. Last evaluated: 2026-02-02. Review status: criteria provided, single submitter. Criteria: Invitae Variant Classification Sherloc (09022015). Collection method: clinical testing. Allele origin: germline.
Comment: This sequence change replaces glutamic acid, which is acidic and polar, with lysine, which is basic and polar, at codon 1554 of the POLE protein (p.Glu1554Lys). This variant is present in population databases (rs143247306, gnomAD 0.02%). This variant has not been reported in the literature in individuals affected with POLE-related conditions. ClinVar contains an entry for this variant (Variation ID: 240532). Invitae Evidence Modeling of protein sequence and biophysical properties (such as structural, functional, and spatial information, amino acid conservation, physicochemical variation, residue mobility, and thermodynamic stability) indicates that this missense variant is not expected to disrupt POLE protein function with a negative predictive value of 80%. In summary, the available evidence is currently insufficient to determine the role of this variant in disease. Therefore, it has been classified as a Variant of Uncertain Significance.

Center for Genomic Medicine, Rigshospitalet, Copenhagen University Hospital
Classification: Uncertain significance. Last evaluated: 2025-03-04. Review status: criteria provided, single submitter. Criteria: ACMG Guidelines, 2015. Collection method: clinical testing. Allele origin: germline.

Ambry Genetics
Classification: Uncertain significance for Hereditary cancer-predisposing syndrome. Last evaluated: 2024-12-28. Review status: criteria provided, single submitter. Criteria: Ambry Variant Classification Scheme 2023. Collection method: clinical testing. Allele origin: germline.
Comment: The p.E1554K variant (also known as c.4660G>A), located in coding exon 36 of the POLE gene, results from a G to A substitution at nucleotide position 4660. The glutamic acid at codon 1554 is replaced by lysine, an amino acid with similar properties. This amino acid position is highly conserved in available vertebrate species. In addition, the in silico prediction for this alteration is inconclusive. Based on the available evidence, the clinical significance of this variant remains unclear.

Blueprint Genetics
Classification: Uncertain significance. Last evaluated: 2024-05-29. Review status: criteria provided, single submitter. Criteria: ACMG Guidelines, 2015. Collection method: clinical testing. Allele origin: germline.

GeneDx
Classification: Uncertain significance. Last evaluated: 2023-12-27. Review status: criteria provided, single submitter. Criteria: GeneDx Variant Classification Process June 2021. Collection method: clinical testing. Allele origin: germline. Affected: yes.
Comment: In silico analysis supports that this missense variant has a deleterious effect on protein structure/function; Observed in an individual with familial colorectal cancer and another individual with invasive epithelial ovarian cancer (PMID: 29212164, 32546565); This variant is associated with the following publications: (PMID: 32546565, 29212164)

St. Jude Molecular Pathology, St. Jude Children's Research Hospital
Classification: Uncertain significance for Colorectal cancer, susceptibility to, 12. Last evaluated: 2021-10-07. Review status: criteria provided, single submitter. Criteria: St. Jude Assertion Criteria 2020. Collection method: clinical testing. Allele origin: germline.
Comment: The POLE c.4660G>A (p.Glu1554Lys) missense change has a maximum subpopulation frequency of 0.020% in gnomAD v2.1.1. Five of seven in silico tools predict a benign effect of this variant on protein function (BP4), but to our knowledge these predictions have not been confirmed by functional assays. This variant has been reported in the literature in an individual affected with colorectal cancer with a family history of colorectal cancer (PMID: 29212164). To our knowledge, this variant has not been reported in the literature in tumors exhibiting microsatellite instability (MSI-H) or tumors with a high mutational burden. In summary, this variant meets criteria to be classified as of uncertain significance based on the ACMG/AMP criteria: BP4.

Sema4
Classification: Likely benign for Hereditary cancer-predisposing syndrome. Last evaluated: 2021-05-06. Review status: criteria provided, single submitter. Criteria: Sema4 Curation Guidelines. Collection method: curation. Allele origin: germline.

ARUP Laboratories, Molecular Genetics and Genomics, ARUP Laboratories
Classification: Uncertain significance. Last evaluated: 2019-10-11. Review status: criteria provided, single submitter. Criteria: ARUP Molecular Germline Variant Investigation Process. Collection method: clinical testing. Allele origin: germline.
Comment: The POLE c.4660G>A; p.Glu1554Lys variant (rs143247306), to our knowledge, is not reported in the medical literature but is reported in ClinVar (Variation ID: 240532). This variant is found in the general population with an overall allele frequency of 0.01% (30/282384 alleles) in the Genome Aggregation Database. The glutamic acid at codon 1554 is highly conserved, but computational analyses (SIFT, PolyPhen-2) predict that this variant is tolerated. However, given the lack of clinical and functional data, the significance of this variant is uncertain at this time.

PreventionGenetics, part of Exact Sciences
Classification: Uncertain significance. Last evaluated: 2017-10-11. Review status: criteria provided, single submitter. Criteria: ACMG Guidelines, 2015. Collection method: clinical testing. Allele origin: germline.

Literature cited by the submitters: PubMed 29212164 (cited by Center for Genomic Medicine, Rigshospitalet, Copenhagen University Hospital); PubMed 32546565 (cited by Sema4).

NM_006231.4(POLE):c.4660G>A (p.Glu1554Lys)

Gene: POLE (DNA polymerase epsilon, catalytic subunit; minus strand). Cytogenetic location: 12q24.33.
Variant type: single nucleotide variant.
Coding change: c.4660G>A on transcript NM_006231.4 (MANE Select); coding-DNA position 4660, G replaced by A.
Protein change: p.Glu1554Lys; replaces glutamic acid 1554 with lysine.
Molecular consequence: missense variant.
Genome position (GRCh38, 1-based): chr12:132,642,888, C>T on the plus strand (G>A on the coding strand, the complement: POLE is on the minus strand). VCF-style: chr12-132642888-C-T. GRCh37 (hg19) VCF-style: chr12-133219474-C-T.
Other names: short protein forms E1554K.
Identifiers: ClinVar variation 240532 (VCV000240532.43), dbSNP rs143247306, ClinGen allele CA6892751.